The following is an entry in ClinVar:

ClinVar aggregate classification (germline): Uncertain significance (1 of 4 stars; one submission).

Conditions:
RFT1-congenital disorder of glycosylation (CDG1N). Also called: RFT1-CDG; CDG In; Congenital disorder of glycosylation type In. Identifiers: Orphanet 244310, MedGen C2677590, MONDO:0012783, OMIM 612015.

Submission:

Labcorp Genetics (formerly Invitae), Labcorp
Classification: Uncertain significance for RFT1-congenital disorder of glycosylation. Last evaluated: 2023-07-07. Review status: criteria provided, single submitter. Criteria: Invitae Variant Classification Sherloc (09022015). Collection method: clinical testing. Allele origin: germline.
Comment: In summary, the available evidence is currently insufficient to determine the role of this variant in disease. Therefore, it has been classified as a Variant of Uncertain Significance. Advanced modeling of protein sequence and biophysical properties (such as structural, functional, and spatial information, amino acid conservation, physicochemical variation, residue mobility, and thermodynamic stability) performed at Invitae indicates that this missense variant is not expected to disrupt RFT1 protein function. ClinVar contains an entry for this variant (Variation ID: 1519733). This variant has not been reported in the literature in individuals affected with RFT1-related conditions. This variant is not present in population databases (gnomAD no frequency). This sequence change replaces valine, which is neutral and non-polar, with phenylalanine, which is neutral and non-polar, at codon 141 of the RFT1 protein (p.Val141Phe).

NM_052859.4(RFT1):c.421G>T (p.Val141Phe)

Gene: RFT1 (RFT1 glycolipid translocator homolog; minus strand). Cytogenetic location: 3p21.1.
Variant type: single nucleotide variant.
Coding change: c.421G>T on transcript NM_052859.4 (MANE Select); coding-DNA position 421, G replaced by T.
Protein change: p.Val141Phe; replaces valine 141 with phenylalanine.
Molecular consequence: missense variant.
Genome position (GRCh38, 1-based): chr3:53,122,409, C>A on the plus strand (G>T on the coding strand, the complement: RFT1 is on the minus strand). VCF-style: chr3-53122409-C-A. GRCh37 (hg19) VCF-style: chr3-53156425-C-A.
Other names: short protein forms V141F.
Identifiers: ClinVar variation 1519733 (VCV001519733.8), dbSNP rs2107164186, ClinGen allele CA353221643.